The following is an entry in ClinVar:

NM_000089.4(COL1A2):c.2566-6A>G

Gene: COL1A2 (collagen type I alpha 2 chain; plus strand). Cytogenetic location: 7q21.3.
Variant type: single nucleotide variant.
Coding change: c.2566-6A>G on transcript NM_000089.4 (MANE Select); 6 bases into the intron before coding-DNA position 2566, A replaced by G.
Molecular consequence: intron variant.
Genome position (GRCh38, 1-based): chr7:94,424,330, A>G. VCF-style: chr7-94424330-A-G. GRCh37 (hg19) VCF-style: chr7-94053642-A-G.
Other names: p.?.
Identifiers: ClinVar variation 360964 (VCV000360964.59), dbSNP rs141088934, ClinGen allele CA4347500.

ClinVar aggregate classification (germline): Conflicting classifications of pathogenicity. Review status: criteria provided, conflicting classifications (1 of 4 stars). 12 submissions from 11 submitters: Uncertain significance (2); Benign (2); Likely benign (8). Last evaluated 2026-01-31.

Conditions:
Osteogenesis imperfecta type I (OI1). Also called: Osteogenesis imperfecta type 1; OI, TYPE I; OSTEOGENESIS IMPERFECTA TARDA; OSTEOGENESIS IMPERFECTA WITH BLUE SCLERAE; Lobstein disease; Lobstein's Disease. Identifiers: Orphanet 216796, Orphanet 666, MedGen C0023931, MONDO:0008146, OMIM 166200. Disease mechanism: loss of function.
Ehlers-Danlos syndrome, classic type, 1 (EDSCL1). Also called: EHLERS-DANLOS SYNDROME, GRAVIS TYPE; EHLERS-DANLOS SYNDROME, SEVERE CLASSIC TYPE; Ehlers-Danlos Syndrome, Classic Type, COL5A1-Related; EDS I; Ehlers-Danlos syndrome, type 1. Identifiers: MedGen C0268335, MONDO:0019567, OMIM 130000.
Osteogenesis imperfecta (OI). Identifiers: Orphanet 666, MedGen C0029434, MeSH D010013, MONDO:0019019.
Intellectual disability. Also called: Intellectual functioning disability; Intellectual developmental disorder; intellectual disabilities. Identifiers: MedGen C3714756, MeSH D008607, MONDO:0001071, HP:0001249.
Connective tissue disorder. Also called: Connective tissue disease. Identifiers: MedGen C0009782, MONDO:0003900.
Ehlers-Danlos syndrome, arthrochalasia type, 2. Also called: EHLERS-DANLOS SYNDROME, TYPE VIIB, AUTOSOMAL DOMINANT. Identifiers: MedGen CN293783, MONDO:0040501, OMIM 617821.
Ehlers-Danlos syndrome (EDS). Identifiers: Orphanet 98249, MedGen C0013720, MONDO:0020066.

Allele frequency attached by ClinVar (database versions not stated): ExAC 0.00012; gnomAD 0.00012; gnomAD exomes 0.00013 and 0.00044; 1000 Genomes Project 30x 0.00016; TOPMed 0.00018; 1000 Genomes Project 0.00020; ESP Exome Variant Server 0.00031.
gnomAD v4.1: 648 of 1,613,224 alleles (0.04%); highest among the groups gnomAD compares: Non-Finnish European, 0.053%; no homozygotes.

Submissions (12):

Labcorp Genetics (formerly Invitae), Labcorp
Classification: Likely benign for Osteogenesis imperfecta type I; Ehlers-Danlos syndrome, classic type, 1. Last evaluated: 2026-01-31. Review status: criteria provided, single submitter. Criteria: Invitae Variant Classification Sherloc (09022015). Collection method: clinical testing. Allele origin: germline.

Women's Health and Genetics/Laboratory Corporation of America, LabCorp
Classification: Likely benign. Last evaluated: 2026-01-12. Review status: criteria provided, single submitter. Criteria: LabCorp Variant Classification Summary - May 2015. Collection method: clinical testing. Allele origin: germline.

Mayo Clinic Laboratories, Mayo Clinic
Classification: Likely benign. Last evaluated: 2025-12-12. Review status: criteria provided, single submitter. Criteria: ACMG Guidelines, 2015. Collection method: clinical testing. Allele origin: germline. Observed: 8 variant alleles.
Comment: BP4, BP7

Blueprint Genetics
Classification: Likely benign. Last evaluated: 2024-06-07. Review status: criteria provided, single submitter. Criteria: ACMG Guidelines, 2015. Collection method: clinical testing. Allele origin: germline.

ARUP Laboratories, Molecular Genetics and Genomics, ARUP Laboratories
Classification: Likely benign. Last evaluated: 2024-03-04. Review status: criteria provided, single submitter. Criteria: ARUP Molecular Germline Variant Investigation Process 2024. Collection method: clinical testing. Allele origin: germline.

Genome Diagnostics Laboratory, The Hospital for Sick Children
Classification: Uncertain significance for Ehlers-Danlos syndrome. Last evaluated: 2022-06-02. Review status: criteria provided, single submitter. Criteria: ACMG Guidelines, 2015. Collection method: clinical testing. Allele origin: germline.

CeGaT Center for Human Genetics Tuebingen
Classification: Uncertain significance. Last evaluated: 2021-10-01. Review status: criteria provided, single submitter. Criteria: CeGaT Center For Human Genetics Tuebingen Variant Classification Criteria Version 2. Collection method: clinical testing. Allele origin: germline. Affected: yes. Observed: 1 variant allele.

GeneDx
Classification: Likely benign. Last evaluated: 2021-04-21. Review status: criteria provided, single submitter. Criteria: GeneDx Variant Classification Process June 2021. Collection method: clinical testing. Allele origin: germline. Affected: yes.

Cambridge Genomics Laboratory, East Genomic Laboratory Hub, NHS Genomic Medicine Service
Classification: Benign for Intellectual disability. Last evaluated: 2020-03-27. Review status: criteria provided, single submitter. Criteria: ACGS Best Practice Guidelines for Variant Classification in Rare Disease 2020. Collection method: clinical testing. Allele origin: germline. Affected: yes. Observed: 1 variant allele.

Center for Human Genetics, Inc
Classification: Likely benign for Connective tissue disorder. Last evaluated: 2018-06-01. Review status: criteria provided, single submitter. Criteria: ACMG Guidelines, 2015. Collection method: clinical testing. Allele origin: germline. Affected: yes.

Illumina Laboratory Services, Illumina
Classification: Benign for Ehlers-Danlos syndrome, arthrochalasia type, 2. Last evaluated: 2018-01-13. Review status: criteria provided, single submitter. Criteria: ICSL Variant Classification Criteria 13 December 2019. Collection method: clinical testing. Allele origin: germline.
Comment: This variant was observed in the ICSL laboratory as part of a predisposition screen in an ostensibly healthy population. It had not been previously curated by ICSL or reported in the Human Gene Mutation Database (HGMD: prior to June 1st, 2018), and was therefore a candidate for classification through an automated scoring system. Utilizing variant allele frequency, disease prevalence and penetrance estimates, and inheritance mode, an automated score was calculated to assess if this variant is too frequent to cause the disease. Based on the score and internal cut-off values, a variant classified as benign is not then subjected to further curation. The score for this variant resulted in a classification of benign for this disease.

Illumina Laboratory Services, Illumina
Classification: Likely benign for Osteogenesis imperfecta. Last evaluated: 2018-01-13. Review status: criteria provided, single submitter. Criteria: ICSL Variant Classification Criteria 13 December 2019. Collection method: clinical testing. Allele origin: germline.
Comment: This variant was observed in the ICSL laboratory as part of a predisposition screen in an ostensibly healthy population. It had not been previously curated by ICSL or reported in the Human Gene Mutation Database (HGMD: prior to June 1st, 2018), and was therefore a candidate for classification through an automated scoring system. Utilizing variant allele frequency, disease prevalence and penetrance estimates, and inheritance mode, an automated score was calculated to assess if this variant is too frequent to cause the disease. Based on the score and internal cut-off values, a variant classified as likely benign is not then subjected to further curation. The score for this variant resulted in a classification of likely benign for this disease.